The following is an entry in ClinVar:

NM_006842.3(SF3B2):c.1411C>T (p.Arg471Trp)

Gene: SF3B2 (splicing factor 3b subunit 2; plus strand). Cytogenetic location: 11q13.1.
Variant type: single nucleotide variant.
Coding change: c.1411C>T on transcript NM_006842.3 (MANE Select); coding-DNA position 1411, C replaced by T.
Protein change: p.Arg471Trp; replaces arginine 471 with tryptophan.
Molecular consequence: missense variant.
Genome position (GRCh38, 1-based): chr11:66,059,791, C>T. VCF-style: chr11-66059791-C-T. GRCh37 (hg19) VCF-style: chr11-65827262-C-T.
Other names: short protein forms R471W.
Identifiers: ClinVar variation 1305380 (VCV001305380.2), dbSNP rs1337651045, ClinGen allele CA381380950.

ClinVar aggregate classification (germline): Uncertain significance (1 of 4 stars; one submission).

Allele frequency attached by ClinVar (database versions not stated): TOPMed below 0.00001.
gnomAD v4.1: 5 of 1,614,188 alleles (0.00031%); highest among the groups gnomAD compares: Non-Finnish European, 0.00042%; no homozygotes.

Submission:

GeneDx
Classification: Uncertain significance. Last evaluated: 2019-05-06. Review status: criteria provided, single submitter. Criteria: GeneDx Variant Classification Process June 2021. Collection method: clinical testing. Allele origin: germline. Affected: yes.
Comment: Not observed in large population cohorts (Lek et al., 2016); In silico analysis, which includes protein predictors and evolutionary conservation, supports a deleterious effect; Has not been previously published as pathogenic or benign to our knowledge; Variants in candidate genes are classified as variants of uncertain significance in accordance with ACMG guidelines (Richards et al., 2015)